The following is an entry in ClinVar:

ClinVar aggregate classification (germline): Benign/Likely benign. Review status: criteria provided, multiple submitters, no conflicts (2 of 4 stars). 3 submissions from 3 submitters: Benign (1); Likely benign (2). Last evaluated 2024-11-13.

Conditions:
Hereditary cancer-predisposing syndrome. Also called: Tumor predisposition; Hereditary Cancer Syndrome; Hereditary neoplastic syndrome; Neoplastic Syndromes, Hereditary. Identifiers: Orphanet 140162, MedGen C0027672, MeSH D009386, MONDO:0015356.
Hereditary leiomyomatosis and renal cell cancer. Also called: Familial leiomyomatosis; MULTIPLE CUTANEOUS AND UTERINE LEIOMYOMATA 1, WITH OR WITHOUT RENAL CELL CARCINOMA; LEIOMYOMA, MULTIPLE CUTANEOUS; FH tumor predisposition syndrome; Reed syndrome; Multiple cutaneous and uterine leiomyomatosis. Identifiers: Orphanet 523, MedGen C1708350, MONDO:0007888, OMIM 150800, HP:0007437. Disease mechanism: loss of function.

Allele frequency attached by ClinVar (database versions not stated): gnomAD exomes below 0.00001.
gnomAD v4.1: 1 of 1,613,322 alleles (0.000062%); highest among the groups gnomAD compares: Non-Finnish European, 0.000085%; no homozygotes.

Submissions (3):

Labcorp Genetics (formerly Invitae), Labcorp
Classification: Likely benign. Last evaluated: 2024-11-13. Review status: criteria provided, single submitter. Criteria: Invitae Variant Classification Sherloc (09022015). Collection method: clinical testing. Allele origin: germline.

Myriad Genetics, Inc.
Classification: Benign for Hereditary leiomyomatosis and renal cell cancer. Last evaluated: 2024-10-21. Review status: criteria provided, single submitter. Criteria: Myriad Autosomal Dominant, Autosomal Recessive and X-Linked Classification Criteria (2023). Collection method: clinical testing. Allele origin: unknown.
Comment: This variant is considered benign. This variant is a silent/synonymous amino acid change and it is not expected to impact splicing.

Ambry Genetics
Classification: Likely benign for Hereditary cancer-predisposing syndrome. Last evaluated: 2023-06-01. Review status: criteria provided, single submitter. Criteria: Ambry Variant Classification Scheme 2023. Collection method: clinical testing. Allele origin: germline.

NM_000143.4(FH):c.1323T>C (p.Asn441=)

Gene: FH (fumarate hydratase; minus strand). Cytogenetic location: 1q43.
Variant type: single nucleotide variant.
Coding change: c.1323T>C on transcript NM_000143.4 (MANE Select); coding-DNA position 1323, T replaced by C.
Protein change: p.Asn441=; no amino-acid change (asparagine 441 retained).
Molecular consequence: synonymous variant.
Genome position (GRCh38, 1-based): chr1:241,500,504, A>G on the plus strand (T>C on the coding strand, the complement: FH is on the minus strand). VCF-style: chr1-241500504-A-G. GRCh37 (hg19) VCF-style: chr1-241663804-A-G.
Identifiers: ClinVar variation 2193878 (VCV002193878.7), dbSNP rs945101483, ClinGen allele CA424075491.